The following is an entry in ClinVar:

NM_207352.4(CYP4V2):c.176del (p.Leu59fs)

Gene: CYP4V2 (cytochrome P450 family 4 subfamily V member 2; plus strand). Cytogenetic location: 4q35.1.
Variant type: Deletion.
Coding change: c.176del on transcript NM_207352.4 (MANE Select); coding-DNA position 176, one base deleted (T; older notation c.176delT).
Protein change: p.Leu59fs; shifts the reading frame from leucine 59.
Molecular consequence: frameshift variant.
Genome position (GRCh38, 1-based): chr4:186,191,999, T deleted. VCF-style (leftmost placement, unchanged base first): chr4-186191998-CT-C. GRCh37 (hg19) VCF-style: chr4-187113152-CT-C.
Other names: short protein forms L59fs.
Identifiers: ClinVar variation 845917 (VCV000845917.9), dbSNP rs1735999769, ClinGen allele CA916082673.

ClinVar aggregate classification (germline): Pathogenic/Likely pathogenic. Review status: criteria provided, multiple submitters, no conflicts (2 of 4 stars). 2 submissions from 2 submitters: Pathogenic (1); Likely pathogenic (1). Last evaluated 2021-09-24.

Conditions:
Bietti crystalline corneoretinal dystrophy (BCD). Also called: Bietti Crystalline Dystrophy; BIETTI TAPETORETINAL DEGENERATION WITH MARGINAL CORNEAL DYSTROPHY. Identifiers: Orphanet 41751, MedGen C1859486, MONDO:0008865, OMIM 210370.

Allele frequency attached by ClinVar (database versions not stated): TOPMed below 0.00001.

Submissions (2):

Fulgent Genetics
Classification: Likely pathogenic for Bietti crystalline corneoretinal dystrophy. Last evaluated: 2021-09-24. Review status: criteria provided, single submitter. Criteria: ACMG Guidelines, 2015. Collection method: clinical testing. Allele origin: unknown.

Labcorp Genetics (formerly Invitae), Labcorp
Classification: Pathogenic. Last evaluated: 2019-12-30. Review status: criteria provided, single submitter. Criteria: Invitae Variant Classification Sherloc (09022015). Collection method: clinical testing. Allele origin: germline.
Comment: For these reasons, this variant has been classified as Pathogenic. Loss-of-function variants in CYP4V2 are known to be pathogenic (PMID: 15042513, 25118264). This variant has not been reported in the literature in individuals with CYP4V2-related conditions. This variant is not present in population databases (ExAC no frequency). This sequence change creates a premature translational stop signal (p.Leu59Argfs*7) in the CYP4V2 gene. It is expected to result in an absent or disrupted protein product.

Literature cited by the submitters: PubMed 15042513 (cited by Labcorp Genetics (formerly Invitae), Labcorp); PubMed 25118264 (cited by Labcorp Genetics (formerly Invitae), Labcorp).